The following is an entry in ClinVar:

NM_015103.3(PLXND1):c.2695_2696del (p.Leu899fs)

Gene: PLXND1 (plexin D1; minus strand). Cytogenetic location: 3q22.1.
Variant type: Deletion.
Coding change: c.2695_2696del on transcript NM_015103.3 (MANE Select); coding-DNA positions 2695 to 2696, 2 bases deleted (CT; older notation c.2695_2696delCT).
Protein change: p.Leu899fs; shifts the reading frame from leucine 899.
Molecular consequence: frameshift variant.
Genome position (GRCh38, 1-based): chr3:129,573,735-129,573,736, AG deleted on the plus strand (CT on the coding strand, the reverse complement: PLXND1 is on the minus strand). VCF-style (leftmost placement, unchanged base first): chr3-129573734-CAG-C. GRCh37 (hg19) VCF-style: chr3-129292577-CAG-C.
Other names: c.2695_2696del (NM_015103.2); short protein forms L899fs.
Identifiers: ClinVar variation 1206015 (VCV001206015.4), dbSNP rs2085270994, ClinGen allele CA1401233382.

ClinVar aggregate classification (germline): Likely pathogenic. Review status: criteria provided, single submitter (1 of 4 stars). 3 submissions from 3 submitters: Likely pathogenic (1). 2 of the submissions do not count toward it. Last evaluated 2025-06-10.

Allele frequency attached by ClinVar (database versions not stated): gnomAD exomes below 0.00001; TOPMed below 0.00001.

Submissions (3):

GeneDx
Classification: Likely pathogenic. Last evaluated: 2025-06-10. Review status: criteria provided, single submitter. Criteria: GeneDx Variant Classification Process June 2021. Collection method: clinical testing. Allele origin: germline. Affected: yes.
Comment: Frameshift variant predicted to result in protein truncation or nonsense mediated decay in a gene for which loss of function is a known mechanism of disease; Not observed at significant frequency in large population cohorts (gnomAD); Has not been previously published as pathogenic or benign to our knowledge

Joint Genome Diagnostic Labs from Nijmegen and Maastricht, Radboudumc and MUMC+
Classification: Uncertain significance. Review status: no assertion criteria provided. Collection method: clinical testing. Allele origin: germline. Affected: yes. Study: VKGL Data-share Consensus. Not counted in ClinVar's aggregate classification.

Laboratory of Diagnostic Genome Analysis, Leiden University Medical Center (LUMC)
Classification: Uncertain significance. Review status: no assertion criteria provided. Collection method: clinical testing. Allele origin: germline. Affected: yes. Study: VKGL Data-share Consensus. Not counted in ClinVar's aggregate classification.